The following is an entry in ClinVar:

NM_024529.5(CDC73):c.108_122del (p.Lys37_Val41del)

Gene: CDC73 (cell division cycle 73; plus strand). Cytogenetic location: 1q31.2.
Variant type: Deletion.
Coding change: c.108_122del on transcript NM_024529.5 (MANE Select); coding-DNA positions 108 to 122, 15 bases deleted (GAAGACCAACTATGT).
Protein change: p.Lys37_Val41del.
Molecular consequence: inframe deletion. On other transcripts: inframe indel (1).
Genome position (GRCh38, 1-based): chr1:193,122,308-193,122,322, GAAGACCAACTATGT deleted; deleting any 15 consecutive bases within chr1:193,122,304-193,122,322 gives the same sequence; the c. name uses the placement nearest the transcript's 3' end. VCF-style (leftmost placement, unchanged base first): chr1-193122303-AATGTGAAGACCAACT-A. GRCh37 (hg19) VCF-style: chr1-193091433-AATGTGAAGACCAACT-A.
Other names: c.108_122del15 (NM_024529.4).
Identifiers: ClinVar variation 3829898 (VCV003829898.1).
Genomic context (GRCh38, chr1:193,122,303, plus strand): 5'-AAGAAGGAGATTGTGGTGAAGGGAGACGAAGTGATCTTCGGGGAGTTCTCCTGGCCCAAG[AATGTGAAGACCAACT>A]ATGTTGTTTGGGGGTAAGTCCGGCATGGCTGTGGCCCAGGGGTGGCAGGGCAGAGTTGGG-3'

ClinVar aggregate classification (germline): Uncertain significance (1 of 4 stars; one submission).

Conditions:
Hereditary cancer-predisposing syndrome. Also called: Hereditary neoplastic syndrome; Neoplastic Syndromes, Hereditary; Tumor predisposition; Hereditary Cancer Syndrome. Identifiers: Orphanet 140162, MedGen C0027672, MeSH D009386, MONDO:0015356.

Submission:

Ambry Genetics
Classification: Uncertain significance for Hereditary cancer-predisposing syndrome. Last evaluated: 2025-03-12. Review status: criteria provided, single submitter. Criteria: Ambry Variant Classification Scheme 2023. Collection method: clinical testing. Allele origin: germline.
Comment: The c.108_122del15 variant (also known as p.K37_V41del) is located in coding exon 1 of the CDC73 gene. This variant results from an in-frame deletion of 15 nucleotides (GAAGACCAACTATGT) at positions 108 to 122. This results in the in-frame deletion of 5 amino acids (KTNYV) at codons 37 to 41. These amino acid positions are highly conserved in available vertebrate species. Based on the available evidence, the clinical significance of this variant remains unclear.